The following is an entry in ClinVar:

NM_001267550.2(TTN):c.57115A>T (p.Lys19039Ter)

Genes: TTN (titin; minus strand), TTN-AS1 (TTN antisense RNA 1; plus strand). Cytogenetic location: 2q31.2.
Variant type: single nucleotide variant.
Coding change: c.57115A>T on transcript NM_001267550.2 (MANE Select); coding-DNA position 57115, A replaced by T.
Protein change: p.Lys19039Ter; replaces lysine 19039 with a stop codon.
Molecular consequence: nonsense.
Genome position (GRCh38, 1-based): chr2:178,598,055, T>A on the plus strand (A>T on the coding strand, the complement: TTN is on the minus strand). VCF-style: chr2-178598055-T-A. GRCh37 (hg19) VCF-style: chr2-179462782-T-A.
Other names: c.52192A>T, p.Lys17398Ter (NM_001256850.1); c.29920A>T, p.Lys9974Ter (NM_003319.4); c.49411A>T, p.Lys16471Ter (NM_133378.4); c.30295A>T, p.Lys10099Ter (NM_133432.3); c.30496A>T, p.Lys10166Ter (NM_133437.4); short protein forms K10099*, K10166*, K16471*, K17398*, K19039*, K9974*.
Identifiers: ClinVar variation 2086791 (VCV002086791.4), dbSNP rs2469819993, ClinGen allele CA349523320.
Genomic context (GRCh38, chr2:178,598,055, plus strand): 5'-AGAATGCTCCTTCCTTTAATCCTGTCACAACAAGCTTTGTTCCTCTCACTTCTTTATCTT[T>A]ACCCTGGGGAGAAATCATAGACATTTTATAATTAGAATAGTTCTTTGTAGCTTCTTGCTT-3'

ClinVar aggregate classification (germline): Likely pathogenic (1 of 4 stars; one submission).

Conditions:
Dilated cardiomyopathy 1G (CMD1G). Identifiers: Orphanet 154, MedGen C1858763, MONDO:0011400, OMIM 604145.
Autosomal recessive limb-girdle muscular dystrophy type 2J (LGMDR10). Also called: Limb-girdle muscular dystrophy, type 2J; MUSCULAR DYSTROPHY, LIMB-GIRDLE, AUTOSOMAL RECESSIVE 10. Identifiers: Orphanet 140922, MedGen C1837342, MONDO:0012127, OMIM 608807.

Submission:

Labcorp Genetics (formerly Invitae), Labcorp
Classification: Likely pathogenic for Dilated cardiomyopathy 1G; Autosomal recessive limb-girdle muscular dystrophy type 2J. Last evaluated: 2022-01-17. Review status: criteria provided, single submitter. Criteria: Invitae Variant Classification Sherloc (09022015). Collection method: clinical testing. Allele origin: germline.
Comment: In summary, the currently available evidence indicates that the variant is pathogenic, but additional data are needed to prove that conclusively. Therefore, this variant has been classified as Likely Pathogenic. This variant is located in the A band of TTN (PMID: 25589632). Truncating variants in this region are significantly overrepresented in patients affected with dilated cardiomyopathy (PMID: 25589632). Truncating variants in this region have also been reported in individuals affected with autosomal recessive centronuclear myopathy (PMID: 23975875). This variant has not been reported in the literature in individuals affected with TTN-related conditions. This variant is not present in population databases (gnomAD no frequency). This sequence change creates a premature translational stop signal (p.Lys19039*) in the TTN gene. While this is not anticipated to result in nonsense mediated decay, it is expected to create a truncated TTN protein.

Literature cited by the submitters: PubMed 25589632; PubMed 23975875.